The following is an entry in ClinVar:

NM_001267550.2(TTN):c.62432A>G (p.Asp20811Gly)

Genes: TTN (titin; minus strand), TTN-AS1 (TTN antisense RNA 1; plus strand). Cytogenetic location: 2q31.2.
Variant type: single nucleotide variant.
Coding change: c.62432A>G on transcript NM_001267550.2 (MANE Select); coding-DNA position 62432, A replaced by G.
Protein change: p.Asp20811Gly; replaces aspartic acid 20811 with glycine.
Molecular consequence: missense variant.
Genome position (GRCh38, 1-based): chr2:178,589,293, T>C on the plus strand (A>G on the coding strand, the complement: TTN is on the minus strand). VCF-style: chr2-178589293-T-C. GRCh37 (hg19) VCF-style: chr2-179454020-T-C.
Other names: p.D19170G:GAC>GGC; c.35237A>G, p.Asp11746Gly (NM_003319.4); c.54728A>G, p.Asp18243Gly (NM_133378.4); c.57509A>G, p.Asp19170Gly (NM_001256850.1); c.35612A>G, p.Asp11871Gly (NM_133432.3); c.35813A>G, p.Asp11938Gly (NM_133437.4); short protein forms D19170G, D20811G, D11746G, D18243G, D11871G, D11938G.
Identifiers: ClinVar variation 202762 (VCV000202762.28), dbSNP rs72646849, ClinGen allele CA310206.

ClinVar aggregate classification (germline): Conflicting classifications of pathogenicity. Review status: criteria provided, conflicting classifications (1 of 4 stars). 9 submissions from 9 submitters: Uncertain significance (1); Likely benign (7). 1 of the submissions does not count toward it. Last evaluated 2026-01-27.

Conditions:
Cardiovascular phenotype. Identifiers: MedGen CN230736.
Dilated cardiomyopathy 1G (CMD1G). Identifiers: Orphanet 154, MedGen C1858763, MONDO:0011400, OMIM 604145.
Autosomal recessive limb-girdle muscular dystrophy type 2J (LGMDR10). Also called: MUSCULAR DYSTROPHY, LIMB-GIRDLE, AUTOSOMAL RECESSIVE 10; Limb-girdle muscular dystrophy, type 2J. Identifiers: Orphanet 140922, MedGen C1837342, MONDO:0012127, OMIM 608807.
TTN-related disorder. Also called: TTN-related condition; TTN-related disease; TTN-related disorders.

Allele frequency attached by ClinVar (database versions not stated): gnomAD exomes 0.00006 and 0.00016; ExAC 0.00022; ESP Exome Variant Server 0.00049; gnomAD 0.00054 and 0.00055; TOPMed 0.00064; 1000 Genomes Project 0.00140; 1000 Genomes Project 30x 0.00172.
gnomAD v4.1: 176 of 1,613,298 alleles (0.011%); highest among the groups gnomAD compares: African/African-American, 0.21%; no homozygotes.

Submissions (9):

Labcorp Genetics (formerly Invitae), Labcorp
Classification: Likely benign for Dilated cardiomyopathy 1G; Autosomal recessive limb-girdle muscular dystrophy type 2J. Last evaluated: 2026-01-27. Review status: criteria provided, single submitter. Criteria: Invitae Variant Classification Sherloc (09022015). Collection method: clinical testing. Allele origin: germline.

Molecular Diagnostic Laboratory for Inherited Cardiovascular Disease, Montreal Heart Institute
Classification: Likely benign. Last evaluated: 2025-04-09. Review status: criteria provided, single submitter. Criteria: ACMG Guidelines, 2015. Collection method: clinical testing. Allele origin: germline. Affected: no.

Mayo Clinic Laboratories, Mayo Clinic
Classification: Likely benign. Last evaluated: 2025-03-28. Review status: criteria provided, single submitter. Criteria: ACMG Guidelines, 2015. Collection method: clinical testing. Allele origin: germline. Observed: 1 variant allele.

Women's Health and Genetics/Laboratory Corporation of America, LabCorp
Classification: Likely benign. Last evaluated: 2021-03-15. Review status: criteria provided, single submitter. Criteria: LabCorp Variant Classification Summary - May 2015. Collection method: clinical testing. Allele origin: germline.
Comment: Variant summary: TTN c.54728A>G (p.Asp18243Gly) results in a non-conservative amino acid change located in the A-band region of the encoded protein sequence. Four of five in-silico tools predict a damaging effect of the variant on protein function. The variant allele was found at a frequency of 0.00016 in 248564 control chromosomes, predominantly at a frequency of 0.0026 within the African or African-American subpopulation in the gnomAD database. The observed variant frequency within African or African-American control individuals in the gnomAD database is approximately 6-fold of the estimated maximal expected allele frequency for a pathogenic variant in TTN causing Dilated Cardiomyopathy phenotype (0.00039), strongly suggesting that the variant is a benign polymorphism found primarily in populations of African or African-American origin. To our knowledge, no occurrence of c.54728A>G in individuals affected with Dilated Cardiomyopathy and no experimental evidence demonstrating its impact on protein function have been reported. Five other clinical diagnostic laboratories have submitted clinical-significance assessments for this variant to ClinVar after 2014 without evidence for independent evaluation, and classified the variant as likely benign (n=4), or VUS (n=1). Based on the evidence outlined above, the variant was classified as likely benign.

Eurofins Ntd Llc (ga)
Classification: Uncertain significance. Last evaluated: 2018-05-25. Review status: criteria provided, single submitter. Criteria: EGL ClinVar v180209 classification definitions. Collection method: clinical testing. Allele origin: germline. Observed: 3 variant alleles, 3 heterozygotes.

Ambry Genetics
Classification: Likely benign for Cardiovascular phenotype. Last evaluated: 2018-05-14. Review status: criteria provided, single submitter. Criteria: Ambry Variant Classification Scheme 2023. Collection method: clinical testing. Allele origin: germline.

GeneDx
Classification: Likely benign. Last evaluated: 2017-12-28. Review status: criteria provided, single submitter. Criteria: GeneDx Variant Classification (06012015). Collection method: clinical testing. Allele origin: germline. Affected: yes.
Comment: This variant is considered likely benign or benign based on one or more of the following criteria: it is a conservative change, it occurs at a poorly conserved position in the protein, it is predicted to be benign by multiple in silico algorithms, and/or has population frequency not consistent with disease.

Laboratory for Molecular Medicine, Mass General Brigham Personalized Medicine
Classification: Likely benign. Last evaluated: 2016-08-14. Review status: criteria provided, single submitter. Criteria: LMM Criteria. Collection method: clinical testing. Allele origin: germline. Observed: 1 variant allele.
Comment: p.Asp18243Gly in exon 253 of TTN: This variant is not expected to have clinical significance because it has been identified in 0.3% (26/9798) of African chromos omes by the Exome Aggregation Consortium (ExAC; dbSNP rs72646849).

PreventionGenetics, part of Exact Sciences
Classification: Likely benign for TTN-related condition. Last evaluated: 2024-09-25. Review status: no assertion criteria provided. Collection method: clinical testing. Allele origin: germline. Not counted in ClinVar's aggregate classification.
Comment: This variant is classified as likely benign based on ACMG/AMP sequence variant interpretation guidelines (Richards et al. 2015 PMID: 25741868, with internal and published modifications).